The following is an entry in ClinVar:

NM_139162.4(MIEF2):c.-8+424G>A

Gene: MIEF2 (mitochondrial elongation factor 2; plus strand). Cytogenetic location: 17p11.2.
Variant type: single nucleotide variant.
Coding change: c.-8+424G>A on transcript NM_139162.4 (MANE Select); 424 bases into the intron after 8 bases upstream of the start codon, G replaced by A.
Molecular consequence: intron variant. On other transcripts: missense variant (1).
Genome position (GRCh38, 1-based): chr17:18,261,161, G>A. VCF-style: chr17-18261161-G-A. GRCh37 (hg19) VCF-style: chr17-18164475-G-A.
Other names: c.26G>A, p.Arg9Lys (NM_148886.2); c.-8+424G>A (NM_001144900.3); short protein forms R9K.
Identifiers: ClinVar variation 3770436 (VCV003770436.13).
Genomic context (GRCh38, chr17:18,261,161, plus strand): 5'-GGCTGTGGACTGAGGCCTGCGCGACCCCGCCAGAGATGGGGCTGAGTCCCAATTTAGACA[G>A]GTTGGGAGTATTTAAAGCGCTTTACAGTTTGCAAAGTAGATTCCTGGTCTCTCTGGGGGC-3'

ClinVar aggregate classification (germline): Benign (1 of 4 stars; one submission).

Submission:

CeGaT Center for Human Genetics Tuebingen
Classification: Benign. Last evaluated: 2026-02-01. Review status: criteria provided, single submitter. Criteria: CeGaT Center For Human Genetics Tuebingen Variant Classification Criteria Version 2. Collection method: clinical testing. Allele origin: germline. Affected: yes. Observed: 13 variant alleles.
Comment: MIEF2: BP4, BS1, BS2